The following is an entry in ClinVar:

NM_001080421.3(UNC13A):c.1368C>T (p.Asn456=)

Gene: UNC13A (unc-13 homolog A; minus strand). Cytogenetic location: 19p13.11.
Variant type: single nucleotide variant.
Coding change: c.1368C>T on transcript NM_001080421.3 (MANE Select); coding-DNA position 1368, C replaced by T.
Protein change: p.Asn456=; no amino-acid change (asparagine 456 retained).
Molecular consequence: synonymous variant.
Genome position (GRCh38, 1-based): chr19:17,655,298, G>A on the plus strand (C>T on the coding strand, the complement: UNC13A is on the minus strand). VCF-style: chr19-17655298-G-A. GRCh37 (hg19) VCF-style: chr19-17766107-G-A.
Other names: p.Asn456=; c.1368C>T, p.Asn456= (NM_001387021.1, NM_001387022.1, NM_001387023.1).
Identifiers: ClinVar variation 732090 (VCV000732090.29), dbSNP rs201914744, ClinGen allele CA9298534.

ClinVar aggregate classification (germline): Benign/Likely benign. Review status: criteria provided, multiple submitters, no conflicts (2 of 4 stars). 3 submissions from 3 submitters: Benign (1); Likely benign (2). Last evaluated 2025-10-23.

Allele frequency attached by ClinVar (database versions not stated): gnomAD 0.00175 and 0.00176; gnomAD exomes 0.00263 and 0.00172; ExAC 0.00402; 1000 Genomes Project 30x 0.00094; 1000 Genomes Project 0.00100; ESP Exome Variant Server 0.00139; TOPMed 0.00148.
gnomAD v4.1: 3,998 of 1,584,528 alleles (0.25%); highest among the groups gnomAD compares: Non-Finnish European, 0.3%; 4 homozygotes.

Submissions (3):

Mayo Clinic Laboratories, Mayo Clinic
Classification: Likely benign. Last evaluated: 2025-10-23. Review status: criteria provided, single submitter. Criteria: ACMG Guidelines, 2015. Collection method: clinical testing. Allele origin: germline. Observed: 3 variant alleles.
Comment: BP4, BP7

CeGaT Center for Human Genetics Tuebingen
Classification: Likely benign. Last evaluated: 2022-06-01. Review status: criteria provided, single submitter. Criteria: CeGaT Center For Human Genetics Tuebingen Variant Classification Criteria Version 2. Collection method: clinical testing. Allele origin: germline. Affected: yes. Observed: 1 variant allele.
Comment: UNC13A: BP4

Labcorp Genetics (formerly Invitae), Labcorp
Classification: Benign. Last evaluated: 2019-12-31. Review status: criteria provided, single submitter. Criteria: Invitae Variant Classification Sherloc (09022015). Collection method: clinical testing. Allele origin: germline.